The following is an entry in ClinVar:

NM_002609.4(PDGFRB):c.2756G>A (p.Arg919Gln)

Gene: PDGFRB (platelet derived growth factor receptor beta; minus strand). Cytogenetic location: 5q32.
Variant type: single nucleotide variant.
Coding change: c.2756G>A on transcript NM_002609.4 (MANE Select); coding-DNA position 2756, G replaced by A.
Protein change: p.Arg919Gln; replaces arginine 919 with glutamine.
Molecular consequence: missense variant.
Genome position (GRCh38, 1-based): chr5:150,119,509, C>T on the plus strand (G>A on the coding strand, the complement: PDGFRB is on the minus strand). VCF-style: chr5-150119509-C-T. GRCh37 (hg19) VCF-style: chr5-149499072-C-T.
Other names: c.2564G>A, p.Arg855Gln (NM_001355016.2); c.2273G>A, p.Arg758Gln (NM_001355017.2); c.2756G>A (NM_002609.3); short protein forms R758Q, R855Q, R919Q.
Identifiers: ClinVar variation 2028811 (VCV002028811.6), dbSNP rs145717708, ClinGen allele CA3507532.

ClinVar aggregate classification (germline): Likely benign. Review status: criteria provided, multiple submitters, no conflicts (2 of 4 stars). 3 submissions from 3 submitters: Likely benign (2). 1 of the submissions does not count toward it. Last evaluated 2025-04-21.

Conditions:
Infantile myofibromatosis (IMF). Also called: Congenital generalized fibromatosis. Identifiers: Orphanet 2591, MedGen C0432284, MONDO:0016824.
Skeletal overgrowth-craniofacial dysmorphism-hyperelastic skin-white matter lesions syndrome. Also called: SKELETAL OVERGROWTH WITH FACIAL DYSMORPHISM, HYPERELASTIC SKIN, WHITE MATTER LESIONS, AND NEUROLOGIC DETERIORATION; Kosaki overgrowth syndrome. Identifiers: Orphanet 477831, MedGen C4225270, MONDO:0014704, OMIM 616592.
Acroosteolysis-keloid-like lesions-premature aging syndrome. Also called: Premature aging syndrome, Penttinen type; Prematurely aged appearance, delayed bone maturation, acro-osteolysis, and brachydactyly; Progeroid syndrome, Penttinen type. Identifiers: Orphanet 363665, MedGen C1866182, MONDO:0011150, OMIM 601812.
Basal ganglia calcification, idiopathic, 4 (PFBC4). Also called: Familial Idiopathic Basal Ganglia Calcification 4; PRIMARY FAMILIAL BRAIN CALCIFICATION 4, AUTOSOMAL DOMINANT. Identifiers: Orphanet 1980, MedGen C3554321, MONDO:0014004, OMIM 615007.
PDGFRB-related disorder. Also called: PDGFRB-related condition.

Allele frequency attached by ClinVar (database versions not stated): gnomAD 0.00003; gnomAD exomes 0.00004; ExAC 0.00015; 1000 Genomes Project 30x 0.00016; TOPMed 0.00007; 1000 Genomes Project 0.00020.
gnomAD v4.1: 79 of 1,613,234 alleles (0.0049%); highest among the groups gnomAD compares: East Asian, 0.045%; no homozygotes.

Submissions (3):

Labcorp Genetics (formerly Invitae), Labcorp
Classification: Likely benign for Basal ganglia calcification, idiopathic, 4; Skeletal overgrowth-craniofacial dysmorphism-hyperelastic skin-white matter lesions syndrome; Infantile myofibromatosis; Acroosteolysis-keloid-like lesions-premature aging syndrome. Last evaluated: 2025-04-21. Review status: criteria provided, single submitter. Criteria: Invitae Variant Classification Sherloc (09022015). Collection method: clinical testing. Allele origin: germline.

Blueprint Genetics
Classification: Likely benign. Last evaluated: 2024-05-08. Review status: criteria provided, single submitter. Criteria: ACMG Guidelines, 2015. Collection method: clinical testing. Allele origin: germline.

PreventionGenetics, part of Exact Sciences
Classification: Likely benign for PDGFRB-related condition. Last evaluated: 2024-07-30. Review status: no assertion criteria provided. Collection method: clinical testing. Allele origin: germline. Not counted in ClinVar's aggregate classification.
Comment: This variant is classified as likely benign based on ACMG/AMP sequence variant interpretation guidelines (Richards et al. 2015 PMID: 25741868, with internal and published modifications).